The following is an entry in ClinVar:

ClinVar aggregate classification (germline): Likely benign (0 of 4 stars; one submission).

Conditions:
SMARCC2-related disorder. Also called: SMARCC2-related condition.

Allele frequency attached by ClinVar (database versions not stated): TOPMed 0.00002; gnomAD 0.00004; ExAC 0.00025.

Submission:

PreventionGenetics, part of Exact Sciences
Classification: Likely benign for SMARCC2-related condition. Last evaluated: 2024-02-16. Review status: no assertion criteria provided. Collection method: clinical testing. Allele origin: germline.
Comment: This variant is classified as likely benign based on ACMG/AMP sequence variant interpretation guidelines (Richards et al. 2015 PMID: 25741868, with internal and published modifications).

NM_001330288.2(SMARCC2):c.3487C>G (p.Pro1163Ala)

Gene: SMARCC2 (SWI/SNF related BAF chromatin remodeling complex subunit C2; minus strand). Cytogenetic location: 12q13.2.
Variant type: single nucleotide variant.
Coding change: c.3487C>G on transcript NM_001330288.2 (MANE Select); coding-DNA position 3487, C replaced by G.
Protein change: p.Pro1163Ala; replaces proline 1163 with alanine.
Molecular consequence: missense variant. On other transcripts: intron variant (2).
Genome position (GRCh38, 1-based): chr12:56,164,477, G>C on the plus strand (C>G on the coding strand, the complement: SMARCC2 is on the minus strand). VCF-style: chr12-56164477-G-C. GRCh37 (hg19) VCF-style: chr12-56558261-G-C.
Other names: c.3394C>G, p.Pro1132Ala (NM_003075.5); c.3316+171C>G (NM_139067.4); c.3317-109C>G (NM_001130420.3); short protein forms P1132A, P1163A.
Identifiers: ClinVar variation 3041943 (VCV003041943.2), dbSNP rs765563599, ClinGen allele CA6625536.